The following is an entry in ClinVar:

ClinVar aggregate classification (germline): Uncertain significance (1 of 4 stars; one submission).

Conditions:
CLCN7-related disorder. Also called: CLCN7-related condition.

Submission:

PreventionGenetics, part of Exact Sciences
Classification: Uncertain significance for CLCN7-related condition. Last evaluated: 2026-03-12. Review status: criteria provided, single submitter. Criteria: ACMG Guidelines, 2015. Collection method: clinical testing. Allele origin: germline.
Comment: The CLCN7 c.79A>G variant is predicted to result in the amino acid substitution p.Thr27Ala. To our knowledge, this variant has not been reported in the literature or in a large population database (gnomAD), indicating this variant is rare. At this time, the clinical significance of this variant is uncertain due to the absence of conclusive functional and genetic evidence.

NM_001287.6(CLCN7):c.79A>G (p.Thr27Ala)

Genes: CLCN7 (Cl-/H+ antiporter 7; minus strand), LOC130058166 (ATAC-STARR-seq lymphoblastoid silent region 6986; plus strand). Cytogenetic location: 16p13.3.
Variant type: single nucleotide variant.
Coding change: c.79A>G on transcript NM_001287.6 (MANE Select); coding-DNA position 79, A replaced by G.
Protein change: p.Thr27Ala; replaces threonine 27 with alanine.
Molecular consequence: missense variant.
Genome position (GRCh38, 1-based): chr16:1,474,896, T>C on the plus strand (A>G on the coding strand, the complement: CLCN7 is on the minus strand). VCF-style: chr16-1474896-T-C. GRCh37 (hg19) VCF-style: chr16-1524897-T-C.
Other names: c.79A>G, p.Thr27Ala (NM_001114331.3); short protein forms T27A.
Identifiers: ClinVar variation 5001816 (VCV005001816.1).
Genomic context (GRCh38, chr16:1,474,896, plus strand): 5'-GGCGCGCAGCCCCAGGCCCAGCCCCGTTCAGCAGCGGCGTCCCCCCGCCGGGCCGCGCCG[T>C]CCTCCGCAGCAGCGGCGCCGCCTCCTCGTCGTCCCGGTCCCGGCCGGACCAGGACACCTT-3'
Protein context (NP_001278.1, residues 17-37): DEEAAPLLRR[Thr27Ala]ARPGGGTPLL